The following is an entry in ClinVar:

NM_003738.5(PTCH2):c.764C>G (p.Pro255Arg)

Gene: PTCH2 (patched 2; minus strand). Cytogenetic location: 1p34.1.
Variant type: single nucleotide variant.
Coding change: c.764C>G on transcript NM_003738.5 (MANE Select); coding-DNA position 764, C replaced by G.
Protein change: p.Pro255Arg; replaces proline 255 with arginine.
Molecular consequence: missense variant.
Genome position (GRCh38, 1-based): chr1:44,830,897, G>C on the plus strand (C>G on the coding strand, the complement: PTCH2 is on the minus strand). VCF-style: chr1-44830897-G-C. GRCh37 (hg19) VCF-style: chr1-45296569-G-C.
Other names: c.764C>G, p.Pro255Arg (NM_001166292.2); short protein forms P255R.
Identifiers: ClinVar variation 4778635 (VCV004778635.1).

ClinVar aggregate classification (germline): Uncertain significance (1 of 4 stars; one submission).

Conditions:
Gorlin syndrome. Also called: Nevoid Basal Cell Carcinoma Syndrome; Basal cell nevus syndrome. Identifiers: Orphanet 377, MedGen C0004779, MONDO:0007187.

Submission:

Labcorp Genetics (formerly Invitae), Labcorp
Classification: Uncertain significance for Gorlin syndrome. Last evaluated: 2025-12-23. Review status: criteria provided, single submitter. Criteria: Invitae Variant Classification Sherloc (09022015). Collection method: clinical testing. Allele origin: germline.
Comment: This sequence change replaces proline, which is neutral and non-polar, with arginine, which is basic and polar, at codon 255 of the PTCH2 protein (p.Pro255Arg). This variant is present in population databases (no rsID available, gnomAD 0.007%). This variant has not been reported in the literature in individuals affected with PTCH2-related conditions. Invitae Evidence Modeling of protein sequence and biophysical properties (such as structural, functional, and spatial information, amino acid conservation, physicochemical variation, residue mobility, and thermodynamic stability) indicates that this missense variant is expected to disrupt PTCH2 protein function with a positive predictive value of 80%. In summary, the available evidence is currently insufficient to determine the role of this variant in disease. Therefore, it has been classified as a Variant of Uncertain Significance.